The following is an entry in ClinVar:

ClinVar aggregate classification (germline): Uncertain significance. Review status: criteria provided, multiple submitters, no conflicts (2 of 4 stars). 2 submissions from 2 submitters: Uncertain significance (2). Last evaluated 2026-04-06.

Conditions:
Hereditary cancer-predisposing syndrome. Also called: Tumor predisposition; Hereditary neoplastic syndrome; Neoplastic Syndromes, Hereditary; Hereditary Cancer Syndrome. Identifiers: Orphanet 140162, MedGen C0027672, MeSH D009386, MONDO:0015356.
Rhabdoid tumor predisposition syndrome 2 (RTPS2). Identifiers: Orphanet 231108, Orphanet 69077, MedGen C2750074, MONDO:0013224, OMIM 613325.

Submissions (2):

Ambry Genetics
Classification: Uncertain significance for Hereditary cancer-predisposing syndrome. Last evaluated: 2026-04-06. Review status: criteria provided, single submitter. Criteria: Ambry Variant Classification Scheme 2023. Collection method: clinical testing. Allele origin: germline.
Comment: The p.P88S variant (also known as c.262C>T), located in coding exon 2 of the SMARCA4 gene, results from a C to T substitution at nucleotide position 262. The proline at codon 88 is replaced by serine, an amino acid with similar properties. This amino acid position is conserved. In addition, this alteration is predicted to be tolerated by in silico analysis. Based on the available evidence, the clinical significance of this variant remains unclear.

Labcorp Genetics (formerly Invitae), Labcorp
Classification: Uncertain significance for Rhabdoid tumor predisposition syndrome 2. Last evaluated: 2023-10-10. Review status: criteria provided, single submitter. Criteria: Invitae Variant Classification Sherloc (09022015). Collection method: clinical testing. Allele origin: germline.
Comment: This sequence change replaces proline, which is neutral and non-polar, with serine, which is neutral and polar, at codon 88 of the SMARCA4 protein (p.Pro88Ser). This variant is not present in population databases (gnomAD no frequency). This variant has not been reported in the literature in individuals affected with SMARCA4-related conditions. Advanced modeling of protein sequence and biophysical properties (such as structural, functional, and spatial information, amino acid conservation, physicochemical variation, residue mobility, and thermodynamic stability) performed at Invitae indicates that this missense variant is not expected to disrupt SMARCA4 protein function. In summary, the available evidence is currently insufficient to determine the role of this variant in disease. Therefore, it has been classified as a Variant of Uncertain Significance.

NM_003072.5(SMARCA4):c.262C>T (p.Pro88Ser)

Gene: SMARCA4 (SWI/SNF related BAF chromatin remodeling complex subunit ATPase 4; plus strand). Cytogenetic location: 19p13.2.
Variant type: single nucleotide variant.
Coding change: c.262C>T on transcript NM_003072.5 (MANE Select); coding-DNA position 262, C replaced by T.
Protein change: p.Pro88Ser; replaces proline 88 with serine.
Molecular consequence: missense variant. On other transcripts: non-coding transcript variant (1).
Genome position (GRCh38, 1-based): chr19:10,985,312, C>T. VCF-style: chr19-10985312-C-T. GRCh37 (hg19) VCF-style: chr19-11095988-C-T.
Other names: c.262C>T, p.Pro88Ser (NM_001128844.3, NM_001128845.2, NM_001128846.2 and 6 more transcripts); c.262C>T (NM_001128849.1); short protein forms P88S.
Identifiers: ClinVar variation 2767370 (VCV002767370.4), dbSNP rs1555751997, ClinGen allele CA404055162.
Genomic context (GRCh38, chr19:10,985,312, plus strand): 5'-TTGCCATGGTCCCTCTCGCAGCCCATGGAGTCCATGCATGAGAAGGGCATGTCGGACGAC[C>T]CGCGCTACAACCAGATGAAAGGAATGGGGATGCGGTCAGGGGGCCATGCTGGGATGGGGC-3'
Protein context (NP_003063.2, residues 78-98): SMHEKGMSDD[Pro88Ser]RYNQMKGMGM